The following is an entry in ClinVar:

ClinVar aggregate classification (germline): Uncertain significance (1 of 4 stars; one submission).

Allele frequency attached by ClinVar (database versions not stated): TOPMed below 0.00001; gnomAD 0.00001; gnomAD exomes 0.00002.
gnomAD v4.1: 23 of 1,613,610 alleles (0.0014%); highest among the groups gnomAD compares: Non-Finnish European, 0.0019%; no homozygotes.

Submission:

Labcorp Genetics (formerly Invitae), Labcorp
Classification: Uncertain significance. Last evaluated: 2025-06-12. Review status: criteria provided, single submitter. Criteria: Invitae Variant Classification Sherloc (09022015). Collection method: clinical testing. Allele origin: germline.
Comment: This sequence change replaces serine, which is neutral and polar, with threonine, which is neutral and polar, at codon 69 of the TNNI3K protein (p.Ser69Thr). This variant is present in population databases (no rsID available, gnomAD 0.0009%). This variant has not been reported in the literature in individuals affected with TNNI3K-related conditions. ClinVar contains an entry for this variant (Variation ID: 1951198). Invitae Evidence Modeling of protein sequence and biophysical properties (such as structural, functional, and spatial information, amino acid conservation, physicochemical variation, residue mobility, and thermodynamic stability) indicates that this missense variant is not expected to disrupt TNNI3K protein function with a negative predictive value of 80%. In summary, the available evidence is currently insufficient to determine the role of this variant in disease. Therefore, it has been classified as a Variant of Uncertain Significance.

NM_015978.3(TNNI3K):c.205T>A (p.Ser69Thr)

Genes: FPGT-TNNI3K (FPGT-TNNI3K readthrough; plus strand), TNNI3K (TNNI3 interacting kinase; plus strand). Cytogenetic location: 1p31.1.
Variant type: single nucleotide variant.
Coding change: c.205T>A on transcript NM_015978.3 (MANE Select); coding-DNA position 205, T replaced by A.
Protein change: p.Ser69Thr; replaces serine 69 with threonine.
Molecular consequence: missense variant.
Genome position (GRCh38, 1-based): chr1:74,249,514, T>A. VCF-style: chr1-74249514-T-A. GRCh37 (hg19) VCF-style: chr1-74715198-T-A.
Other names: c.508T>A, p.Ser170Thr (NM_001112808.3, NM_001199327.2); short protein forms S170T, S69T.
Identifiers: ClinVar variation 1951198 (VCV001951198.5), dbSNP rs1246062657, ClinGen allele CA340787998.